The following is an entry in ClinVar:

ClinVar aggregate classification (germline): Uncertain significance (1 of 4 stars; one submission).

Conditions:
Adenylosuccinate lyase deficiency (ADSLD). Also called: ADSL DEFICIENCY. Identifiers: Orphanet 46, MedGen C0268126, MONDO:0007068, OMIM 103050.

Allele frequency attached by ClinVar (database versions not stated): gnomAD exomes below 0.00001 and 0.00001; TOPMed below 0.00001; ExAC 0.00001; gnomAD 0.00001.

Submission:

Labcorp Genetics (formerly Invitae), Labcorp
Classification: Uncertain significance for Adenylosuccinate lyase deficiency. Last evaluated: 2022-03-11. Review status: criteria provided, single submitter. Criteria: Invitae Variant Classification Sherloc (09022015). Collection method: clinical testing. Allele origin: germline.
Comment: This sequence change replaces aspartic acid, which is acidic and polar, with asparagine, which is neutral and polar, at codon 144 of the ADSL protein (p.Asp144Asn). This variant is present in population databases (rs757413931, gnomAD 0.008%). This variant has not been reported in the literature in individuals affected with ADSL-related conditions. Advanced modeling of protein sequence and biophysical properties (such as structural, functional, and spatial information, amino acid conservation, physicochemical variation, residue mobility, and thermodynamic stability) performed at Invitae indicates that this missense variant is not expected to disrupt ADSL protein function. In summary, the available evidence is currently insufficient to determine the role of this variant in disease. Therefore, it has been classified as a Variant of Uncertain Significance.

NM_000026.4(ADSL):c.430G>A (p.Asp144Asn)

Gene: ADSL (adenylosuccinate lyase; plus strand). Cytogenetic location: 22q13.1.
Variant type: single nucleotide variant.
Coding change: c.430G>A on transcript NM_000026.4 (MANE Select); coding-DNA position 430, G replaced by A.
Protein change: p.Asp144Asn; replaces aspartic acid 144 with asparagine.
Molecular consequence: missense variant. On other transcripts: non-coding transcript variant (1).
Genome position (GRCh38, 1-based): chr22:40,354,275, G>A. VCF-style: chr22-40354275-G-A. GRCh37 (hg19) VCF-style: chr22-40750279-G-A.
Other names: c.430G>A, p.Asp144Asn (NM_001123378.3, NM_001363840.3); c.238G>A, p.Asp80Asn (NM_001317923.2); short protein forms D80N, D144N.
Identifiers: ClinVar variation 1422036 (VCV001422036.5), dbSNP rs757413931, ClinGen allele CA10247723.
Genomic context (GRCh38, chr22:40,354,275, plus strand): 5'-CAACCTCTTTCTATCACATGATCTTTCTTGTAGCTTGCCAGAGTGATCTCTCGGCTTGCC[G>A]ACTTTGCTAAGGAACGAGCCAGTCTACCCACATTAGGTTTCACACATTTCCAGTAAGTGA-3'
Protein context (NP_000017.1, residues 134-154): KLARVISRLA[Asp144Asn]FAKERASLPT